The following is an entry in ClinVar:

ClinVar aggregate classification (germline): Likely benign. Review status: criteria provided, multiple submitters, no conflicts (2 of 4 stars). 2 submissions from 2 submitters: Likely benign (2). Last evaluated 2025-03-05.

gnomAD v4.1: 6 of 1,610,494 alleles (0.00037%); highest among the groups gnomAD compares: African/African-American, 0.008%; no homozygotes.

Submissions (2):

Labcorp Genetics (formerly Invitae), Labcorp
Classification: Likely benign. Last evaluated: 2025-03-05. Review status: criteria provided, single submitter. Criteria: Invitae Variant Classification Sherloc (09022015). Collection method: clinical testing. Allele origin: germline.

Women's Health and Genetics/Laboratory Corporation of America, LabCorp
Classification: Likely benign. Last evaluated: 2024-12-17. Review status: criteria provided, single submitter. Criteria: LabCorp Variant Classification Summary - May 2015. Collection method: clinical testing. Allele origin: germline.
Comment: Variant summary: SOX10 c.384C>T alters a conserved nucleotide resulting in a synonymous change. Consensus agreement among computation tools predict no significant impact on normal splicing. However, these predictions have yet to be confirmed by functional studies. The variant allele was found at a frequency of 4.1e-06 in 243706 control chromosomes. The available data on variant occurrences in the general population are insufficient to allow any conclusion about variant significance. To our knowledge, no occurrence of c.384C>T in individuals affected with Waardenburg Syndrome Type 2E and no experimental evidence demonstrating its impact on protein function have been reported. No submitters have cited clinical-significance assessments for this variant to ClinVar. Based on the evidence outlined above, the variant was classified as likely benign.

NM_006941.4(SOX10):c.384C>T (p.His128=)

Genes: POLR2F (RNA polymerase II, I and III subunit F; plus strand), SOX10 (SRY-box transcription factor 10; minus strand). Cytogenetic location: 22q13.1.
Variant type: single nucleotide variant.
Coding change: c.384C>T on transcript NM_006941.4 (MANE Select); coding-DNA position 384, C replaced by T.
Protein change: p.His128=; no amino-acid change (histidine 128 retained).
Molecular consequence: synonymous variant. On other transcripts: intron variant (3).
Genome position (GRCh38, 1-based): chr22:37,983,401, G>A on the plus strand (C>T on the coding strand, the complement: SOX10 is on the minus strand). VCF-style: chr22-37983401-G-A. GRCh37 (hg19) VCF-style: chr22-38379408-G-A.
Other names: c.*38+11091G>A (NM_001363825.1); c.294-2753G>A (NM_001301130.2); c.293+16231G>A (NM_001301131.2).
Identifiers: ClinVar variation 3703550 (VCV003703550.3).